The following is an entry in ClinVar:

NM_000030.3(AGXT):c.866G>A (p.Arg289His)

Gene: AGXT (alanine--glyoxylate aminotransferase; plus strand). Cytogenetic location: 2q37.3.
Variant type: single nucleotide variant.
Coding change: c.866G>A on transcript NM_000030.3 (MANE Select); coding-DNA position 866, G replaced by A.
Protein change: p.Arg289His; replaces arginine 289 with histidine.
Molecular consequence: missense variant.
Genome position (GRCh38, 1-based): chr2:240,877,556, G>A. VCF-style: chr2-240877556-G-A. GRCh37 (hg19) VCF-style: chr2-241816973-G-A.
Other names: short protein forms R289H.
Identifiers: ClinVar variation 198982 (VCV000198982.29), dbSNP rs61729604, ClinGen allele CA247930.

ClinVar aggregate classification (germline): Conflicting classifications of pathogenicity. Review status: criteria provided, conflicting classifications (1 of 4 stars). 13 submissions from 13 submitters: Uncertain significance (10); Likely benign (1). 2 of the submissions do not count toward it. Last evaluated 2026-01-27.

Conditions:
Alanine glyoxylate aminotransferase deficiency. Identifiers: MedGen CN305373, MONDO:0100278.
AGXT-related disorder. Also called: AGXT-related condition.
Primary hyperoxaluria, type I (HP1). Also called: GLYCOLIC ACIDURIA; HEPATIC AGT DEFICIENCY; OXALOSIS I; Primary hyperoxaluria type 1. Identifiers: Orphanet 416, Orphanet 93598, MedGen C0268164, MONDO:0009823, OMIM 259900. Disease mechanism: loss of function.

Allele frequency attached by ClinVar (database versions not stated): 1000 Genomes Project 0.00100; gnomAD 0.00143 and 0.00129; TOPMed 0.00175; gnomAD exomes 0.00098 and 0.00039; ESP Exome Variant Server 0.00076; 1000 Genomes Project 30x 0.00094; ExAC 0.00143.
gnomAD v4.1: 780 of 1,549,970 alleles (0.05%); highest among the groups gnomAD compares: African/African-American, 0.32%; 1 homozygote.

Submissions (13):

Labcorp Genetics (formerly Invitae), Labcorp
Classification: Likely benign. Last evaluated: 2026-01-27. Review status: criteria provided, single submitter. Criteria: Invitae Variant Classification Sherloc (09022015). Collection method: clinical testing. Allele origin: germline.

3billion
Classification: Uncertain significance for Primary hyperoxaluria, type I. Last evaluated: 2026-01-26. Review status: criteria provided, single submitter. Criteria: ACMG Guidelines, 2015. Collection method: clinical testing. Allele origin: germline. Affected: yes.
Comment: The variant is observed at an extremely low frequency in the gnomAD v4.1.0 dataset (total allele frequency: 0.050%). Predicted Consequence/Location: Missense variant In silico tool prediction suggests damaging effect of the variant on gene or gene product [3Cnet: 0.88 (> 0.75, sensitivity 0.96 and precision 0.92)]. A different missense change at the same codon (p.Arg289Cys) has been reported to be associated with AGXT-related disorder (PMID: 10541294). Therefore, this variant is classified as VUS according to the recommendation of ACMG/AMP guideline.

Genomic Medicine Center of Excellence, King Faisal Specialist Hospital and Research Centre
Classification: Uncertain significance for Primary hyperoxaluria, type I. Last evaluated: 2025-09-10. Review status: criteria provided, single submitter. Criteria: ACMG Guidelines, 2015. Collection method: clinical testing. Allele origin: germline.

GeneDx
Classification: Uncertain significance. Last evaluated: 2025-03-22. Review status: criteria provided, single submitter. Criteria: GeneDx Variant Classification Process June 2021. Collection method: clinical testing. Allele origin: germline. Affected: yes.
Comment: Observed in apparent homozygous state in two siblings with nephrocalcinosis in the literature; of note, a second homozygous variant was also detected and unaffected parents are heterozygous carriers for both variants (PMID: 10541294); Reported with additional variants (phase unknown) in a patient with clinical symptoms suggestive of primary hyperoxaluria in published literature (PMID: 25629080); In silico analysis indicates that this missense variant does not alter protein structure/function; This variant is associated with the following publications: (PMID: 25629080, 28906061, 37874369, 35592619, 25644115, 19479957, 34082749, 10541294)

PreventionGenetics, part of Exact Sciences
Classification: Uncertain significance for AGXT-related condition. Last evaluated: 2025-03-06. Review status: criteria provided, single submitter. Criteria: ACMG Guidelines, 2015. Collection method: clinical testing. Allele origin: germline.
Comment: The AGXT c.866G>A variant is predicted to result in the amino acid substitution p.Arg289His. This variant has been reported in the homozygous state along with another homozygous AGXT missense variant in two related individuals with primary hyperoxaluria (PH) type 1 (Williams et al. 2009. PubMed ID: 19479957). This variant was also found to be on the same allele as the c.1076T>C variant, and this allele was found in trans to a third c.33dupC variant in another PH patient (Williams et al. 2015. PubMed ID: 25629080). Additional studies have suggested that this variant is part of a complex allele (Murad et al. 2021. PubMed ID: 34082749; Fargue et al. 2022. PubMed ID: 35592619). However, this variant is reported in 0.61% of alleles in individuals of Ashkenazi Jewish descent in gnomAD, which is higher than expected for a disease-causing variant in AGXT. This variant has conflicting interpretations in ClinVar ranging from uncertain to likely benign. At this time, the clinical significance of this variant is uncertain due to the absence of conclusive functional and genetic evidence.

Blueprint Genetics
Classification: Uncertain significance. Last evaluated: 2024-11-11. Review status: criteria provided, single submitter. Criteria: ACMG Guidelines, 2015. Collection method: clinical testing. Allele origin: germline.

Mayo Clinic Laboratories, Mayo Clinic
Classification: Uncertain significance. Last evaluated: 2024-08-07. Review status: criteria provided, single submitter. Criteria: ACMG Guidelines, 2015. Collection method: clinical testing. Allele origin: germline. Observed: 1 variant allele.
Comment: BS1

Department of Pathology and Laboratory Medicine, Sinai Health System
Classification: Uncertain significance for alanine glyoxylate aminotransferase deficiency. Last evaluated: 2023-08-09. Review status: criteria provided, single submitter. Criteria: ACMG Guidelines, 2015. Collection method: research. Allele origin: germline.

Women's Health and Genetics/Laboratory Corporation of America, LabCorp
Classification: Uncertain significance. Last evaluated: 2022-05-26. Review status: criteria provided, single submitter. Criteria: LabCorp Variant Classification Summary - May 2015. Collection method: clinical testing. Allele origin: germline.
Comment: Variant summary: AGXT c.866G>A (p.Arg289His) results in a non-conservative amino acid change located in the Aminotransferase class V domain (IPR000192) of the encoded protein sequence. Four of five in-silico tools predict a benign effect of the variant on protein function. The variant allele was found at a frequency of 0.00098 in 153122 control chromosomes, particularly at a frequency of 0.0036 within the African or African-American subpopulation in the gnomAD database. The observed variant frequency within African or African-American control individuals in the gnomAD database is approximately 1.5-fold of the estimated maximal expected allele frequency for a pathogenic variant in AGXT causing Primary Hyperoxaluria Type 1 phenotype (0.0024), suggesting that the variant may be a benign polymorphism. Nevertheless, c.866G>A has been reported in the literature in a homozygous individual affected with Primary Hyperoxaluria Type 1 (Murad_2021). It has also been reported as part of complex alleles in additional individuals affected with Primary Hyperoxaluria Type 1 (Williams_2009, Williams_2015). These reports do not provide unequivocal conclusions about association of the variant with Primary Hyperoxaluria Type 1. To our knowledge, no experimental evidence demonstrating an impact on protein function has been reported. One ClinVar submitter (evaluation after 2014) cites the variant as likely benign and three ClinVar submitters (evaluation after 2014) cite it as uncertain significance. Based on the evidence outlined above, the variant was classified as uncertain significance.

Illumina Laboratory Services, Illumina
Classification: Uncertain significance for Primary hyperoxaluria, type I. Last evaluated: 2017-04-27. Review status: criteria provided, single submitter. Criteria: ICSL Variant Classification Criteria 13 December 2019. Collection method: clinical testing. Allele origin: germline.

Eurofins Ntd Llc (ga)
Classification: Uncertain significance. Last evaluated: 2015-03-30. Review status: criteria provided, single submitter. Criteria: EGL Classification Definitions 2015. Collection method: clinical testing. Allele origin: germline.

Clinical Biochemistry Laboratory, Health Services Laboratory
Classification: Uncertain significance for Primary hyperoxaluria, type I. Last evaluated: 2025-03-11. Review status: no assertion criteria provided. Collection method: research. Allele origin: germline. Inheritance: Autosomal recessive inheritance. Affected: yes. Not counted in ClinVar's aggregate classification.
Comment: Found in cis with c.1076T>C (p.Leu359Pro)

Counsyl
Classification: Uncertain significance for Primary hyperoxaluria, type I. Last evaluated: 2017-12-19. Review status: no assertion criteria provided. Collection method: clinical testing. Allele origin: unknown. Not counted in ClinVar's aggregate classification.

Literature cited by the submitters: PubMed 10541294 (cited by 3billion); PubMed 19479957 (cited by Mayo Clinic Laboratories, Mayo Clinic and Women's Health and Genetics/Laboratory Corporation of America, LabCorp); PubMed 25629080 (cited by 4 submitters); PubMed 28906061 (cited by Mayo Clinic Laboratories, Mayo Clinic); PubMed 34082749 (cited by Mayo Clinic Laboratories, Mayo Clinic and Women's Health and Genetics/Laboratory Corporation of America, LabCorp); PubMed 35592619 (cited by Mayo Clinic Laboratories, Mayo Clinic); PubMed 37874369 (cited by Mayo Clinic Laboratories, Mayo Clinic).